The following is an entry in ClinVar:

ClinVar aggregate classification (germline): Likely benign. Review status: criteria provided, multiple submitters, no conflicts (2 of 4 stars). 4 submissions from 4 submitters: Likely benign (3). 1 of the submissions does not count toward it. Last evaluated 2025-12-16.

Conditions:
TRAK1-related disorder. Also called: TRAK1-related condition.

Allele frequency attached by ClinVar (database versions not stated): gnomAD 0.00014 and 0.00020; TOPMed 0.00014; gnomAD exomes 0.00026 and 0.00033; ExAC 0.00035; 1000 Genomes Project 0.00040; ESP Exome Variant Server 0.00041; 1000 Genomes Project 30x 0.00047.
gnomAD v4.1: 414 of 1,602,290 alleles (0.026%); highest among the groups gnomAD compares: Middle Eastern, 0.22%; 1 homozygote.

Submissions (4):

Labcorp Genetics (formerly Invitae), Labcorp
Classification: Likely benign. Last evaluated: 2025-12-16. Review status: criteria provided, single submitter. Criteria: Invitae Variant Classification Sherloc (09022015). Collection method: clinical testing. Allele origin: germline.

CeGaT Center for Human Genetics Tuebingen
Classification: Likely benign. Last evaluated: 2025-11-01. Review status: criteria provided, single submitter. Criteria: CeGaT Center For Human Genetics Tuebingen Variant Classification Criteria Version 2. Collection method: clinical testing. Allele origin: germline. Affected: yes. Observed: 4 variant alleles.
Comment: TRAK1: BP4, BP7

Blueprint Genetics
Classification: Likely benign. Last evaluated: 2024-08-06. Review status: criteria provided, single submitter. Criteria: ACMG Guidelines, 2015. Collection method: clinical testing. Allele origin: germline.

PreventionGenetics, part of Exact Sciences
Classification: Likely benign for TRAK1-related condition. Last evaluated: 2019-03-07. Review status: no assertion criteria provided. Collection method: clinical testing. Allele origin: germline. Not counted in ClinVar's aggregate classification.
Comment: This variant is classified as likely benign based on ACMG/AMP sequence variant interpretation guidelines (Richards et al. 2015 PMID: 25741868, with internal and published modifications).

NM_001042646.3(TRAK1):c.2856A>G (p.Leu952=)

Gene: TRAK1 (trafficking kinesin protein 1; plus strand). Cytogenetic location: 3p22.1.
Variant type: single nucleotide variant.
Coding change: c.2856A>G on transcript NM_001042646.3 (MANE Select); coding-DNA position 2856, A replaced by G.
Protein change: p.Leu952=; no amino-acid change (leucine 952 retained).
Molecular consequence: synonymous variant. On other transcripts: 3 prime UTR variant (1), non-coding transcript variant (1).
Genome position (GRCh38, 1-based): chr3:42,223,731, A>G. VCF-style: chr3-42223731-A-G. GRCh37 (hg19) VCF-style: chr3-42265223-A-G.
Other names: c.2481A>G, p.Leu827= (NM_001349245.1); c.2793A>G, p.Leu931= (NM_001349246.2); c.*810A>G (NM_001349247.2); c.2571A>G, p.Leu857= (NM_001349248.1); c.2634A>G, p.Leu878= (NM_001349249.1); c.2856A>G (NM_001042646.2).
Identifiers: ClinVar variation 1335510 (VCV001335510.41), dbSNP rs376851043, ClinGen allele CA2333949.
Genomic context (GRCh38, chr3:42,223,731, plus strand): 5'-TCCTGTGACTCTCACCTCGGGCATCTTGATGGGTGCTAAGCTCTCCAAACAAACTAGCTT[A>G]CGGTGAGGACTGGAGGGGGGCCGGTTGCCCTAGAGGAGACCCACGTTCTCCTCTCTTGCT-3'
Protein context (NP_001036111.1, residues 942-953): MGAKLSKQTS[Leu952=]R